The following is an entry in ClinVar:

ClinVar aggregate classification (germline): Uncertain significance (1 of 4 stars; one submission).

gnomAD v4.1: 1 of 1,612,768 alleles (0.000062%); highest among the groups gnomAD compares: Admixed American, 0.0017%; no homozygotes.

Submission:

Labcorp Genetics (formerly Invitae), Labcorp
Classification: Uncertain significance. Last evaluated: 2025-01-23. Review status: criteria provided, single submitter. Criteria: Invitae Variant Classification Sherloc (09022015). Collection method: clinical testing. Allele origin: germline.
Comment: This sequence change replaces alanine, which is neutral and non-polar, with valine, which is neutral and non-polar, at codon 395 of the MICAL1 protein (p.Ala395Val). This variant is not present in population databases (gnomAD no frequency). This variant has not been reported in the literature in individuals affected with MICAL1-related conditions. An algorithm developed to predict the effect of missense changes on protein structure and function (PolyPhen-2) suggests that this variant is likely to be tolerated. In summary, the available evidence is currently insufficient to determine the role of this variant in disease. Therefore, it has been classified as a Variant of Uncertain Significance.

NM_022765.4(MICAL1):c.1127C>T (p.Ala376Val)

Gene: MICAL1 (microtubule associated monooxygenase, calponin and LIM domain containing 1; minus strand). Cytogenetic location: 6q21.
Variant type: single nucleotide variant.
Coding change: c.1127C>T on transcript NM_022765.4 (MANE Select); coding-DNA position 1127, C replaced by T.
Protein change: p.Ala376Val; replaces alanine 376 with valine.
Molecular consequence: missense variant. On other transcripts: intron variant (1).
Genome position (GRCh38, 1-based): chr6:109,450,364, G>A on the plus strand (C>T on the coding strand, the complement: MICAL1 is on the minus strand). VCF-style: chr6-109450364-G-A. GRCh37 (hg19) VCF-style: chr6-109771567-G-A.
Other names: c.1184C>T, p.Ala395Val (NM_001286613.2); c.934-279C>T (NM_001159291.2); short protein forms A376V, A395V.
Identifiers: ClinVar variation 3697163 (VCV003697163.2).
Genomic context (GRCh38, chr6:109,450,364, plus strand): 5'-ACCAGGCAGTCCCCCACCAGTCCCAGCAGCAGGCGGGCGCCATGCTTCTCTTGCACACGA[G>A]CAGAACTCTCTGCCCGCATCATGCTCGTGAAGTCAAAGGCAGAGACATCAGGCTGCCCAT-3'
Protein context (NP_073602.3, residues 366-386): FTSMMRAESS[Ala376Val]RVQEKHGARL